The following is an entry in ClinVar:

ClinVar aggregate classification (germline): Likely pathogenic (1 of 4 stars; one submission).

Conditions:
Hereditary factor VIII deficiency disease (HEMA). Also called: HEMOPHILIA, CLASSIC; AUTOSOMAL HEMOPHILIA A; Hemophilia A; Hemophilia A, congenital; HEM A; Factor 8 deficiency, congenital. Identifiers: Orphanet 98878, MedGen C0019069, MONDO:0010602, OMIM 306700.

Submission:

ARUP Laboratories, Molecular Genetics and Genomics, ARUP Laboratories
Classification: Likely pathogenic for Hereditary factor VIII deficiency disease. Last evaluated: 2020-10-12. Review status: criteria provided, single submitter. Criteria: ARUP Molecular Germline Variant Investigation Process 2021. Collection method: clinical testing. Allele origin: germline.
Comment: The F8 c.55A>C; p.Ser19Arg variant, to our knowledge, is not reported in the literature. However, other DNA changes leading to the same protein change (c.57T>A; p.Ser19Arg and c.57T>G; p.Ser19Arg) have been described in individuals with hemophilia and are considered pathogenic (Lu 2018, Strmecki 1999). The c.55A>C; p.Ser19Arg variant is also absent from general population databases (Exome Variant Server, Genome Aggregation Database), indicating it is not a common polymorphism. The serine at codon 19 is moderately conserved, and computational analyses predict that this variant is deleterious (REVEL: 0.735). Based on available information, this variant is considered to be likely pathogenic. References: Lu Y et al. Spectrum and origin of mutations in sporadic cases of haemophilia A in China. Haemophilia. 2018 Mar;24(2):291-298. Strmecki L et al. Screen of 55 Slovenian haemophilia A patients: identification of 2 novel mutations (S-1R and IVS23+1G-->A) and discussion of mutation spectrum. Mutation in brief no. 241. Online. Hum Mutat. 1999;13(5):413.

NM_000132.4(F8):c.55A>C (p.Ser19Arg)

Gene: F8 (coagulation factor VIII; minus strand). Cytogenetic location: Xq28.
Variant type: single nucleotide variant.
Coding change: c.55A>C on transcript NM_000132.4 (MANE Select); coding-DNA position 55, A replaced by C.
Protein change: p.Ser19Arg; replaces serine 19 with arginine.
Molecular consequence: missense variant.
Genome position (GRCh38, 1-based): chrX:155,022,498, T>G on the plus strand (A>C on the coding strand, the complement: F8 is on the minus strand). VCF-style: chrX-155022498-T-G. GRCh37 (hg19) VCF-style: chrX-154250773-T-G.
Other names: short protein forms S19R.
Identifiers: ClinVar variation 1330883 (VCV001330883.7), dbSNP rs2124174458, ClinGen allele CA414920626.